The following is an entry in ClinVar:

NM_000426.4(LAMA2):c.4697G>A (p.Arg1566His)

Gene: LAMA2 (laminin subunit alpha 2; plus strand). Cytogenetic location: 6q22.33.
Variant type: single nucleotide variant.
Coding change: c.4697G>A on transcript NM_000426.4 (MANE Select); coding-DNA position 4697, G replaced by A.
Protein change: p.Arg1566His; replaces arginine 1566 with histidine.
Molecular consequence: missense variant.
Genome position (GRCh38, 1-based): chr6:129,353,337, G>A. VCF-style: chr6-129353337-G-A. GRCh37 (hg19) VCF-style: chr6-129674482-G-A.
Other names: c.4697G>A, p.Arg1566His (NM_001079823.2); short protein forms R1566H.
Identifiers: ClinVar variation 355270 (VCV000355270.7), dbSNP rs574923739, ClinGen allele CA3993633.

ClinVar aggregate classification (germline): Uncertain significance. Review status: criteria provided, multiple submitters, no conflicts (2 of 4 stars). 3 submissions from 3 submitters: Uncertain significance (3). Last evaluated 2024-07-30.

Conditions:
Inborn genetic diseases. Identifiers: MedGen C0950123, MeSH D030342.
Congenital muscular dystrophy due to partial LAMA2 deficiency. Identifiers: MedGen C1842898.
LAMA2-related muscular dystrophy (LAMA2-RD). Also called: Laminin alpha 2-related dystrophy. Identifiers: MedGen C5679788, MONDO:0100228.

Allele frequency attached by ClinVar (database versions not stated): gnomAD 0.00001; ExAC 0.00002; gnomAD exomes 0.00002; TOPMed 0.00002.
gnomAD v4.1: 17 of 1,613,860 alleles (0.0011%); highest among the groups gnomAD compares: East Asian, 0.013%; no homozygotes.

Submissions (3):

Ambry Genetics
Classification: Uncertain significance for Inborn genetic diseases. Last evaluated: 2024-07-30. Review status: criteria provided, single submitter. Criteria: Ambry Variant Classification Scheme 2023. Collection method: clinical testing. Allele origin: germline.

Labcorp Genetics (formerly Invitae), Labcorp
Classification: Uncertain significance for LAMA2-related muscular dystrophy. Last evaluated: 2022-06-27. Review status: criteria provided, single submitter. Criteria: Invitae Variant Classification Sherloc (09022015). Collection method: clinical testing. Allele origin: germline.
Comment: This sequence change replaces arginine, which is basic and polar, with histidine, which is basic and polar, at codon 1566 of the LAMA2 protein (p.Arg1566His). This variant is present in population databases (rs574923739, gnomAD 0.01%). This variant has not been reported in the literature in individuals affected with LAMA2-related conditions. ClinVar contains an entry for this variant (Variation ID: 355270). Advanced modeling of protein sequence and biophysical properties (such as structural, functional, and spatial information, amino acid conservation, physicochemical variation, residue mobility, and thermodynamic stability) performed at Invitae indicates that this missense variant is not expected to disrupt LAMA2 protein function. In summary, the available evidence is currently insufficient to determine the role of this variant in disease. Therefore, it has been classified as a Variant of Uncertain Significance.

Illumina Laboratory Services, Illumina
Classification: Uncertain significance for Congenital muscular dystrophy due to partial LAMA2 deficiency. Last evaluated: 2018-01-12. Review status: criteria provided, single submitter. Criteria: ICSL Variant Classification Criteria 13 December 2019. Collection method: clinical testing. Allele origin: germline.